The following is an entry in ClinVar:

NM_002907.4(RECQL):c.1274G>A (p.Arg425Lys)

Gene: RECQL (RecQ like helicase; minus strand). Cytogenetic location: 12p12.1.
Variant type: single nucleotide variant.
Coding change: c.1274G>A on transcript NM_002907.4 (MANE Select); coding-DNA position 1274, G replaced by A.
Protein change: p.Arg425Lys; replaces arginine 425 with lysine.
Molecular consequence: missense variant.
Genome position (GRCh38, 1-based): chr12:21,474,922, C>T on the plus strand (G>A on the coding strand, the complement: RECQL is on the minus strand). VCF-style: chr12-21474922-C-T. GRCh37 (hg19) VCF-style: chr12-21627856-C-T.
Other names: c.1274G>A, p.Arg425Lys (NM_032941.3); c.1274G>A (NM_002907.3); short protein forms R425K.
Identifiers: ClinVar variation 1473144 (VCV001473144.9), dbSNP rs2137333693, ClinGen allele CA384118621.

ClinVar aggregate classification (germline): Uncertain significance. Review status: criteria provided, multiple submitters, no conflicts (2 of 4 stars). 2 submissions from 2 submitters: Uncertain significance (2). Last evaluated 2026-07-01.

Allele frequency attached by ClinVar (database versions not stated): 1000 Genomes Project 30x 0.00016.

Submissions (2):

Ambry Genetics
Classification: Uncertain significance. Last evaluated: 2026-07-01. Review status: criteria provided, single submitter. Criteria: Ambry Variant Classification Scheme 2023. Collection method: clinical testing. Allele origin: germline.
Comment: The p.R425K variant (also known as c.1274G>A), located in coding exon 10 of the RECQL gene, results from a G to A substitution at nucleotide position 1274. The arginine at codon 425 is replaced by lysine, an amino acid with highly similar properties. This amino acid position is conserved. In addition, the in silico prediction for this alteration is inconclusive. Based on the available evidence, the clinical significance of this variant remains unclear.

Labcorp Genetics (formerly Invitae), Labcorp
Classification: Uncertain significance. Last evaluated: 2022-10-13. Review status: criteria provided, single submitter. Criteria: Invitae Variant Classification Sherloc (09022015). Collection method: clinical testing. Allele origin: germline.
Comment: In summary, the available evidence is currently insufficient to determine the role of this variant in disease. Therefore, it has been classified as a Variant of Uncertain Significance. Advanced modeling of protein sequence and biophysical properties (such as structural, functional, and spatial information, amino acid conservation, physicochemical variation, residue mobility, and thermodynamic stability) performed at Invitae indicates that this missense variant is not expected to disrupt RECQL protein function. ClinVar contains an entry for this variant (Variation ID: 1473144). This variant has not been reported in the literature in individuals affected with RECQL-related conditions. This variant is not present in population databases (gnomAD no frequency). This sequence change replaces arginine, which is basic and polar, with lysine, which is basic and polar, at codon 425 of the RECQL protein (p.Arg425Lys).